The following is an entry in ClinVar:

NM_003883.4(HDAC3):c.625G>A (p.Val209Ile)

Gene: HDAC3 (histone deacetylase 3; minus strand). Cytogenetic location: 5q31.3.
Variant type: single nucleotide variant.
Coding change: c.625G>A on transcript NM_003883.4 (MANE Select); coding-DNA position 625, G replaced by A.
Protein change: p.Val209Ile; replaces valine 209 with isoleucine.
Molecular consequence: missense variant. On other transcripts: non-coding transcript variant (6).
Genome position (GRCh38, 1-based): chr5:141,628,625, C>T on the plus strand (G>A on the coding strand, the complement: HDAC3 is on the minus strand). VCF-style: chr5-141628625-C-T. GRCh37 (hg19) VCF-style: chr5-141008192-C-T.
Other names: c.625G>A, p.Val209Ile (NM_001355039.2); c.166G>A, p.Val56Ile (NM_001355040.2); c.64G>A, p.Val22Ile (NM_001355041.2); short protein forms V56I, V22I, V209I.
Identifiers: ClinVar variation 3676838 (VCV003676838.2).

ClinVar aggregate classification (germline): Uncertain significance (1 of 4 stars; one submission).

Submission:

Labcorp Genetics (formerly Invitae), Labcorp
Classification: Uncertain significance. Last evaluated: 2024-10-23. Review status: criteria provided, single submitter. Criteria: Invitae Variant Classification Sherloc (09022015). Collection method: clinical testing. Allele origin: germline.
Comment: This sequence change replaces valine, which is neutral and non-polar, with isoleucine, which is neutral and non-polar, at codon 209 of the HDAC3 protein (p.Val209Ile). This variant is not present in population databases (gnomAD no frequency). This variant has not been reported in the literature in individuals affected with HDAC3-related conditions. Invitae Evidence Modeling of protein sequence and biophysical properties (such as structural, functional, and spatial information, amino acid conservation, physicochemical variation, residue mobility, and thermodynamic stability) indicates that this missense variant is not expected to disrupt HDAC3 protein function with a negative predictive value of 80%. In summary, the available evidence is currently insufficient to determine the role of this variant in disease. Therefore, it has been classified as a Variant of Uncertain Significance.